The following is an entry in ClinVar:

NM_032776.3(JMJD1C):c.2185A>G (p.Ile729Val)

Gene: JMJD1C (jumonji domain containing 1C; minus strand). Cytogenetic location: 10q21.3.
Variant type: single nucleotide variant.
Coding change: c.2185A>G on transcript NM_032776.3 (MANE Select); coding-DNA position 2185, A replaced by G.
Protein change: p.Ile729Val; replaces isoleucine 729 with valine.
Molecular consequence: missense variant. On other transcripts: non-coding transcript variant (1).
Genome position (GRCh38, 1-based): chr10:63,213,982, T>C on the plus strand (A>G on the coding strand, the complement: JMJD1C is on the minus strand). VCF-style: chr10-63213982-T-C. GRCh37 (hg19) VCF-style: chr10-64973742-T-C.
Other names: c.1639A>G, p.Ile547Val (NM_001282948.2, NM_001318154.2); c.1321A>G, p.Ile441Val (NM_001318153.2); c.2071A>G, p.Ile691Val (NM_001322252.2); c.1528A>G, p.Ile510Val (NM_001322254.2, NM_001322258.2); short protein forms I729V, I547V, I691V, I441V, I510V.
Identifiers: ClinVar variation 568225 (VCV000568225.8), dbSNP rs1414572661, ClinGen allele CA377046509.
Genomic context (GRCh38, chr10:63,213,982, plus strand): 5'-AACAGGTTCTATGAGATGAGGAGTGAAGAGGAAAAGGATGCTGGCTTAGGAAAGGTGAAA[T>C]ATGATTAGCTCCTGTTTCTGACCCAATAAGTGCAGGATCTCTGTAAACTGTAAAATGCTC-3'
Protein context (NP_116165.1, residues 719-739): LIGSETGANH[Ile729Val]SPFLSQHPFP

ClinVar aggregate classification (germline): Uncertain significance (1 of 4 stars; one submission).

Conditions:
Early Myoclonic Encephalopathy. Identifiers: MedGen C0270855.

Allele frequency attached by ClinVar (database versions not stated): TOPMed below 0.00001; gnomAD 0.00001; gnomAD exomes 0.00002 and below 0.00001.
gnomAD v4.1: 33 of 1,614,014 alleles (0.002%); highest among the groups gnomAD compares: Non-Finnish European, 0.0025%; no homozygotes.

Submission:

Labcorp Genetics (formerly Invitae), Labcorp
Classification: Uncertain significance for Early Myoclonic Encephalopathy. Last evaluated: 2022-07-05. Review status: criteria provided, single submitter. Criteria: Invitae Variant Classification Sherloc (09022015). Collection method: clinical testing. Allele origin: germline.
Comment: This variant has not been reported in the literature in individuals affected with JMJD1C-related conditions. This sequence change replaces isoleucine, which is neutral and non-polar, with valine, which is neutral and non-polar, at codon 729 of the JMJD1C protein (p.Ile729Val). This variant is present in population databases (no rsID available, gnomAD 0.0009%). ClinVar contains an entry for this variant (Variation ID: 568225). Algorithms developed to predict the effect of missense changes on protein structure and function are either unavailable or do not agree on the potential impact of this missense change (SIFT: "Deleterious"; PolyPhen-2: "Benign"; Align-GVGD: "Class C0"). In summary, the available evidence is currently insufficient to determine the role of this variant in disease. Therefore, it has been classified as a Variant of Uncertain Significance.